The following is an entry in ClinVar:

ClinVar aggregate classification (germline): Uncertain significance (1 of 4 stars; one submission).

Conditions:
Dyskeratosis congenita. Identifiers: Orphanet 1775, MedGen C0265965, MONDO:0015780.

gnomAD v4.1: 1 of 1,587,346 alleles (0.000063%); highest among the groups gnomAD compares: Non-Finnish European, 0.000085%; no homozygotes.

Submission:

Ambry Genetics
Classification: Uncertain significance for Dyskeratosis congenita. Last evaluated: 2023-04-18. Review status: criteria provided, single submitter. Criteria: Ambry Variant Classification Scheme 2023. Collection method: clinical testing. Allele origin: germline.
Comment: The p.L161R variant (also known as c.482T>G), located in coding exon 2 of the TERT gene, results from a T to G substitution at nucleotide position 482. The leucine at codon 161 is replaced by arginine, an amino acid with dissimilar properties. This amino acid position is conserved. In addition, this alteration is predicted to be deleterious by in silico analysis. Since supporting evidence is limited at this time, the clinical significance of this alteration remains unclear.

NM_198253.3(TERT):c.482T>G (p.Leu161Arg)

Gene: TERT (telomerase reverse transcriptase; minus strand). Cytogenetic location: 5p15.33.
Variant type: single nucleotide variant.
Coding change: c.482T>G on transcript NM_198253.3 (MANE Select); coding-DNA position 482, T replaced by G.
Protein change: p.Leu161Arg; replaces leucine 161 with arginine.
Molecular consequence: missense variant. On other transcripts: non-coding transcript variant (2).
Genome position (GRCh38, 1-based): chr5:1,294,404, A>C on the plus strand (T>G on the coding strand, the complement: TERT is on the minus strand). VCF-style: chr5-1294404-A-C. GRCh37 (hg19) VCF-style: chr5-1294519-A-C.
Other names: c.482T>G, p.Leu161Arg (NM_001193376.3, NM_003219.1); short protein forms L161R.
Identifiers: ClinVar variation 3238465 (VCV003238465.1), dbSNP rs2478426947.